The following is an entry in ClinVar:

ClinVar aggregate classification (germline): Uncertain significance (1 of 4 stars; one submission).

Conditions:
Primary ciliary dyskinesia 28. Also called: CILIARY DYSKINESIA, PRIMARY, 28, WITH OR WITHOUT SITUS INVERSUS. Identifiers: Orphanet 244, MedGen C3809706, MONDO:0014216, OMIM 615505.

Allele frequency attached by ClinVar (database versions not stated): gnomAD exomes below 0.00001; TOPMed 0.00001.
gnomAD v4.1: 2 of 1,606,606 alleles (0.00012%); highest among the groups gnomAD compares: African/African-American, 0.0027%; no homozygotes.

Submission:

Labcorp Genetics (formerly Invitae), Labcorp
Classification: Uncertain significance for Primary ciliary dyskinesia 28. Last evaluated: 2022-03-10. Review status: criteria provided, single submitter. Criteria: Invitae Variant Classification Sherloc (09022015). Collection method: clinical testing. Allele origin: germline.
Comment: This sequence change replaces aspartic acid, which is acidic and polar, with glutamic acid, which is acidic and polar, at codon 349 of the SPAG1 protein (p.Asp349Glu). In summary, the available evidence is currently insufficient to determine the role of this variant in disease. Therefore, it has been classified as a Variant of Uncertain Significance. Algorithms developed to predict the effect of missense changes on protein structure and function output the following: SIFT: "Tolerated"; PolyPhen-2: "Benign"; Align-GVGD: "Class C0". The glutamic acid amino acid residue is found in multiple mammalian species, which suggests that this missense change does not adversely affect protein function. This variant has not been reported in the literature in individuals affected with SPAG1-related conditions. This variant is not present in population databases (gnomAD no frequency).

NM_003114.5(SPAG1):c.1047T>A (p.Asp349Glu)

Gene: SPAG1 (sperm associated antigen 1; plus strand). Cytogenetic location: 8q22.2.
Variant type: single nucleotide variant.
Coding change: c.1047T>A on transcript NM_003114.5 (MANE Select); coding-DNA position 1047, T replaced by A.
Protein change: p.Asp349Glu; replaces aspartic acid 349 with glutamic acid.
Molecular consequence: missense variant.
Genome position (GRCh38, 1-based): chr8:100,194,219, T>A. VCF-style: chr8-100194219-T-A. GRCh37 (hg19) VCF-style: chr8-101206447-T-A.
Other names: c.1047T>A, p.Asp349Glu (NM_001374321.1, NM_172218.3); short protein forms D349E.
Identifiers: ClinVar variation 2060459 (VCV002060459.4), dbSNP rs1206745143, ClinGen allele CA371804789.